The following is an entry in ClinVar:

ClinVar aggregate classification (germline): Uncertain significance (1 of 4 stars; one submission).

Conditions:
Familial thoracic aortic aneurysm and aortic dissection (TAAD). Also called: Thoracic aortic aneurysms and dissections. Identifiers: Orphanet 91387, MedGen C4707243, MONDO:0019625.
Hereditary cancer-predisposing syndrome. Also called: Neoplastic Syndromes, Hereditary; Tumor predisposition; Hereditary Cancer Syndrome; Hereditary neoplastic syndrome. Identifiers: Orphanet 140162, MedGen C0027672, MeSH D009386, MONDO:0015356.

Submission:

Ambry Genetics
Classification: Uncertain significance for Hereditary cancer-predisposing syndrome; Familial thoracic aortic aneurysm and aortic dissection. Last evaluated: 2026-05-29. Review status: criteria provided, single submitter. Criteria: Ambry Variant Classification Scheme 2023. Collection method: clinical testing. Allele origin: germline.
Comment: The p.D396Y variant (also known as c.1186G>T), located in coding exon 9 of the SMAD4 gene, results from a G to T substitution at nucleotide position 1186. The aspartic acid at codon 396 is replaced by tyrosine, an amino acid with highly dissimilar properties. This amino acid position is conserved. In addition, this alteration is predicted to be deleterious by in silico analysis. Based on the available evidence, the clinical significance of this variant remains unclear.

NM_005359.6(SMAD4):c.1186G>T (p.Asp396Tyr)

Gene: SMAD4 (SMAD family member 4; plus strand). Cytogenetic location: 18q21.2.
Variant type: single nucleotide variant.
Coding change: c.1186G>T on transcript NM_005359.6 (MANE Select); coding-DNA position 1186, G replaced by T.
Protein change: p.Asp396Tyr; replaces aspartic acid 396 with tyrosine.
Molecular consequence: missense variant. On other transcripts: non-coding transcript variant (1).
Genome position (GRCh38, 1-based): chr18:51,067,065, G>T. VCF-style: chr18-51067065-G-T. GRCh37 (hg19) VCF-style: chr18-48593435-G-T.
Other names: c.1186G>T, p.Asp396Tyr (NM_001407042.1, NM_001407041.1); short protein forms D396Y.
Identifiers: ClinVar variation 4558894 (VCV004558894.2).
Genomic context (GRCh38, chr18:51,067,065, plus strand): 5'-TTTTTCTTCCTAAGGTTGCACATAGGCAAAGGTGTGCAGTTGGAATGTAAAGGTGAAGGT[G>T]ATGTTTGGGTCAGGTGCCTTAGTGACCACGCGGTCTTTGTACAGAGTTACTACTTAGACA-3'
Protein context (NP_005350.1, residues 386-406): GVQLECKGEG[Asp396Tyr]VWVRCLSDHA